The following is an entry in ClinVar:

ClinVar aggregate classification (germline): Uncertain significance (1 of 4 stars; one submission).

Allele frequency attached by ClinVar (database versions not stated): gnomAD exomes below 0.00001; TOPMed below 0.00001.
gnomAD v4.1: 2 of 1,578,928 alleles (0.00013%); highest among the groups gnomAD compares: Non-Finnish European, 0.000086%; no homozygotes.

Submission:

Labcorp Genetics (formerly Invitae), Labcorp
Classification: Uncertain significance. Last evaluated: 2024-10-26. Review status: criteria provided, single submitter. Criteria: Invitae Variant Classification Sherloc (09022015). Collection method: clinical testing. Allele origin: germline.
Comment: This sequence change replaces glutamic acid, which is acidic and polar, with aspartic acid, which is acidic and polar, at codon 272 of the ARHGEF1 protein (p.Glu272Asp). This variant is not present in population databases (gnomAD no frequency). This variant has not been reported in the literature in individuals affected with ARHGEF1-related conditions. ClinVar contains an entry for this variant (Variation ID: 1506277). An algorithm developed to predict the effect of missense changes on protein structure and function outputs the following: PolyPhen-2: "Benign". The aspartic acid amino acid residue is found in multiple mammalian species, which suggests that this missense change does not adversely affect protein function. In summary, the available evidence is currently insufficient to determine the role of this variant in disease. Therefore, it has been classified as a Variant of Uncertain Significance.

NM_004706.4(ARHGEF1):c.771G>C (p.Glu257Asp)

Gene: ARHGEF1 (Rho guanine nucleotide exchange factor 1; plus strand). Cytogenetic location: 19q13.2.
Variant type: single nucleotide variant.
Coding change: c.771G>C on transcript NM_004706.4 (MANE Select); coding-DNA position 771, G replaced by C.
Protein change: p.Glu257Asp; replaces glutamic acid 257 with aspartic acid.
Molecular consequence: missense variant.
Genome position (GRCh38, 1-based): chr19:41,894,477, G>C. VCF-style: chr19-41894477-G-C. GRCh37 (hg19) VCF-style: chr19-42398550-G-C.
Other names: c.672G>C, p.Glu224Asp (NM_198977.2); c.816G>C, p.Glu272Asp (NM_199002.2); short protein forms E224D, E272D, E257D.
Identifiers: ClinVar variation 1506277 (VCV001506277.8), dbSNP rs1555847084, ClinGen allele CA406052245.